The following is an entry in ClinVar:

ClinVar aggregate classification (germline): Uncertain significance. Review status: criteria provided, multiple submitters, no conflicts (2 of 4 stars). 3 submissions from 3 submitters: Uncertain significance (3). Last evaluated 2025-10-20.

Conditions:
Inborn genetic diseases. Identifiers: MedGen C0950123, MeSH D030342.
Malignant hyperthermia, susceptibility to, 1 (MHS1). Also called: Malignant hyperthermia suceptibility 1; Anesthesia related hyperthermia; Malignant hyperpyrexia; Fulminating hyperpyrexia; Pharmacogenic myopathy; RYR1-Related Malignant Hyperthermia Susceptibility. Identifiers: Orphanet 423, MedGen C2930980, MONDO:0007783, OMIM 145600.

Allele frequency attached by ClinVar (database versions not stated): gnomAD 0.00003.
gnomAD v4.1: 4 of 1,601,598 alleles (0.00025%); highest among the groups gnomAD compares: African/African-American, 0.0053%; no homozygotes.

Submissions (3):

Color Diagnostics, LLC DBA Color Health
Classification: Uncertain significance for Malignant hyperthermia, susceptibility to, 1. Last evaluated: 2025-10-20. Review status: criteria provided, single submitter. Criteria: ACMG Guidelines, 2015. Collection method: clinical testing. Allele origin: germline.
Comment: This missense variant replaces glycine with serine at codon 2370 of the RYR1 protein. Computational prediction suggests that this variant may have deleterious impact on protein structure and function. To our knowledge, functional studies have not been reported for this variant. This variant has not been reported in individuals affected with RYR1-related disorders in the literature. This variant has been identified in 1/31330 chromosomes in the general population by the Genome Aggregation Database (gnomAD). The available evidence is insufficient to determine the role of this variant in disease conclusively. Therefore, this variant is classified as a Variant of Uncertain Significance.

All of Us Research Program, National Institutes of Health
Classification: Uncertain significance for Malignant hyperthermia, susceptibility to, 1. Last evaluated: 2023-06-26. Review status: criteria provided, single submitter. Criteria: ACMG Guidelines, 2015. Collection method: clinical testing. Allele origin: germline. Inheritance: Autosomal dominant inheritance. Observed: 1 variant allele, 1 heterozygote.
Comment: This missense variant replaces glycine with serine at codon 2370 of the RYR1 protein. Computational prediction suggests that this variant may have deleterious impact on protein structure and function (internally defined REVEL score threshold >= 0.7, PMID: 27666373). To our knowledge, functional studies have not been reported for this variant. This variant has not been reported in individuals affected with RYR1-related disorders in the literature. This variant has been identified in 1/31330 chromosomes in the general population by the Genome Aggregation Database (gnomAD). The available evidence is insufficient to determine the role of this variant in disease conclusively. Therefore, this variant is classified as a Variant of Uncertain Significance.

This study involves interpretation of variants in research participants for the purpose of population health screening. Participant phenotype was not available at the time of variant classification. Additional details can be found in publication PMID: 35346344, PMCID: PMC8962531

Ambry Genetics
Classification: Uncertain significance for Inborn genetic diseases. Last evaluated: 2021-07-26. Review status: criteria provided, single submitter. Criteria: Ambry Variant Classification Scheme 2023. Collection method: clinical testing. Allele origin: germline.

NM_000540.3(RYR1):c.7108G>A (p.Gly2370Ser)

Gene: RYR1 (ryanodine receptor 1; plus strand). Cytogenetic location: 19q13.2.
Variant type: single nucleotide variant.
Coding change: c.7108G>A on transcript NM_000540.3 (MANE Select); coding-DNA position 7108, G replaced by A.
Protein change: p.Gly2370Ser; replaces glycine 2370 with serine.
Molecular consequence: missense variant.
Genome position (GRCh38, 1-based): chr19:38,499,715, G>A. VCF-style: chr19-38499715-G-A. GRCh37 (hg19) VCF-style: chr19-38990355-G-A.
Other names: c.7108G>A, p.Gly2370Ser (NM_001042723.2); short protein forms G2370S.
Identifiers: ClinVar variation 2239482 (VCV002239482.4), dbSNP rs902759121, ClinGen allele CA308109549.
Genomic context (GRCh38, chr19:38,499,715, plus strand): 5'-GCCAATGTGGTGGTGCGGCTGCTCATCCGGAAGCCTGAGTGCTTCGGACCCGCCCTGCGG[G>A]GTGAGGGTGGCTCAGGGCTGCTGGCTGCCATCGAAGAGGCCATCCGCATCTCCGAGGACC-3'
Protein context (NP_000531.2, residues 2360-2380): KPECFGPALR[Gly2370Ser]EGGSGLLAAI